The following is an entry in ClinVar:

NM_001042492.3(NF1):c.386A>G (p.Gln129Arg)

Gene: NF1 (neurofibromin 1; plus strand). Cytogenetic location: 17q11.2.
Variant type: single nucleotide variant.
Coding change: c.386A>G on transcript NM_001042492.3 (MANE Select); coding-DNA position 386, A replaced by G.
Protein change: p.Gln129Arg; replaces glutamine 129 with arginine.
Molecular consequence: missense variant.
Genome position (GRCh38, 1-based): chr17:31,163,283, A>G. VCF-style: chr17-31163283-A-G. GRCh37 (hg19) VCF-style: chr17-29490301-A-G.
Other names: c.386A>G, p.Gln129Arg (NM_000267.4, NM_001128147.3); short protein forms Q129R.
Identifiers: ClinVar variation 404426 (VCV000404426.52), dbSNP rs1060500250, ClinGen allele CA16615132.
Genomic context (GRCh38, chr17:31,163,283, plus strand): 5'-TGGTCAAACAGTTGCTGCCAGAAATCTGCCATTTTCTTCACACCTGTCGTGAAGGAAACC[A>G]GCATGCAGCTGAACTTCGGAATTCTGCCTCTGGGGTTTTATTTTCTCTCAGCTGCAACAA-3'
Protein context (NP_001035957.1, residues 119-139): HFLHTCREGN[Gln129Arg]HAAELRNSAS

ClinVar aggregate classification (germline): Uncertain significance. Review status: criteria provided, multiple submitters, no conflicts (2 of 4 stars). 4 submissions from 4 submitters: Uncertain significance (4). Last evaluated 2024-03-08.

Conditions:
Hereditary cancer-predisposing syndrome. Also called: Tumor predisposition; Neoplastic Syndromes, Hereditary; Hereditary Cancer Syndrome; Hereditary neoplastic syndrome. Identifiers: Orphanet 140162, MedGen C0027672, MeSH D009386, MONDO:0015356.
Cardiovascular phenotype. Identifiers: MedGen CN230736.
Neurofibromatosis, type 1 (NF1). Also called: Neurofibromatosis, type I; NEUROFIBROMATOSIS, TYPE I, SOMATIC; Peripheral type neurofibromatosis; VON RECKLINGHAUSEN DISEASE. Identifiers: Orphanet 636, MedGen C0027831, MONDO:0018975, OMIM 162200. Disease mechanism: loss of function.

Allele frequency attached by ClinVar (database versions not stated): gnomAD exomes below 0.00001; gnomAD 0.00001.
gnomAD v4.1: 5 of 1,614,064 alleles (0.00031%); highest among the groups gnomAD compares: Non-Finnish European, 0.00042%; no homozygotes.

Submissions (4):

Labcorp Genetics (formerly Invitae), Labcorp
Classification: Uncertain significance for Neurofibromatosis, type 1. Last evaluated: 2024-03-08. Review status: criteria provided, single submitter. Criteria: Invitae Variant Classification Sherloc (09022015). Collection method: clinical testing. Allele origin: germline.
Comment: This sequence change replaces glutamine, which is neutral and polar, with arginine, which is basic and polar, at codon 129 of the NF1 protein (p.Gln129Arg). This variant is not present in population databases (gnomAD no frequency). This variant has not been reported in the literature in individuals affected with NF1-related conditions. ClinVar contains an entry for this variant (Variation ID: 404426). Advanced modeling of protein sequence and biophysical properties (such as structural, functional, and spatial information, amino acid conservation, physicochemical variation, residue mobility, and thermodynamic stability) performed at Invitae indicates that this missense variant is expected to disrupt NF1 protein function with a positive predictive value of 95%. In summary, the available evidence is currently insufficient to determine the role of this variant in disease. Therefore, it has been classified as a Variant of Uncertain Significance.

GeneDx
Classification: Uncertain significance. Last evaluated: 2023-11-19. Review status: criteria provided, single submitter. Criteria: GeneDx Variant Classification Process June 2021. Collection method: clinical testing. Allele origin: germline. Affected: yes.
Comment: Not observed at significant frequency in large population cohorts (gnomAD); In silico analysis supports that this missense variant does not alter protein structure/function; Has not been previously published as pathogenic or benign to our knowledge

Ambry Genetics
Classification: Uncertain significance for Cardiovascular phenotype; Hereditary cancer-predisposing syndrome. Last evaluated: 2022-10-27. Review status: criteria provided, single submitter. Criteria: Ambry Variant Classification Scheme 2023. Collection method: clinical testing. Allele origin: germline.
Comment: The p.Q129R variant (also known as c.386A>G), located in coding exon 4 of the NF1 gene, results from an A to G substitution at nucleotide position 386. The glutamine at codon 129 is replaced by arginine, an amino acid with highly similar properties. This amino acid position is highly conserved in available vertebrate species. In addition, this alteration is predicted to be deleterious by in silico analysis. Since supporting evidence is limited at this time, the clinical significance of this alteration remains unclear.

Genome-Nilou Lab
Classification: Uncertain significance for Neurofibromatosis, type 1. Last evaluated: 2022-03-15. Review status: criteria provided, single submitter. Criteria: ACMG Guidelines, 2015. Collection method: clinical testing. Allele origin: germline. Affected: no.